The following is an entry in ClinVar:

ClinVar aggregate classification (germline): Uncertain significance (1 of 4 stars; one submission).

Conditions:
DYRK1A-related intellectual disability syndrome (MRD7). Also called: DYRK1A Syndrome; Intellectual developmental disorder, autosomal dominant 7. Identifiers: Orphanet 464306, MedGen C5568143, MONDO:0013578, OMIM 614104.

Submission:

Labcorp Genetics (formerly Invitae), Labcorp
Classification: Uncertain significance for DYRK1A-related intellectual disability syndrome. Last evaluated: 2026-01-09. Review status: criteria provided, single submitter. Criteria: Invitae Variant Classification Sherloc (09022015). Collection method: clinical testing. Allele origin: germline.
Comment: This sequence change replaces leucine, which is neutral and non-polar, with valine, which is neutral and non-polar, at codon 460 of the DYRK1A protein (p.Leu460Val). This variant is not present in population databases (gnomAD no frequency). This variant has not been reported in the literature in individuals affected with DYRK1A-related conditions. Invitae Evidence Modeling of protein sequence and biophysical properties (such as structural, functional, and spatial information, amino acid conservation, physicochemical variation, residue mobility, and thermodynamic stability) has been performed for this missense variant. However, the output from this modeling did not meet the statistical confidence thresholds required to predict the impact of this variant on DYRK1A protein function. In summary, the available evidence is currently insufficient to determine the role of this variant in disease. Therefore, it has been classified as a Variant of Uncertain Significance.

NM_001347721.2(DYRK1A):c.1351C>G (p.Leu451Val)

Gene: DYRK1A (dual specificity tyrosine phosphorylation regulated kinase 1A; plus strand). Cytogenetic location: 21q22.13.
Variant type: single nucleotide variant.
Coding change: c.1351C>G on transcript NM_001347721.2 (MANE Select); coding-DNA position 1351, C replaced by G.
Protein change: p.Leu451Val; replaces leucine 451 with valine.
Molecular consequence: missense variant.
Genome position (GRCh38, 1-based): chr21:37,505,421, C>G. VCF-style: chr21-37505421-C-G. GRCh37 (hg19) VCF-style: chr21-38877724-C-G.
Other names: c.1351C>G, p.Leu451Val (NM_001347722.2, NM_130436.2); c.1264C>G, p.Leu422Val (NM_001347723.2); c.1378C>G, p.Leu460Val (NM_001396.5, NM_101395.2, NM_130438.2); short protein forms L422V, L451V, L460V.
Identifiers: ClinVar variation 4772072 (VCV004772072.1).
Genomic context (GRCh38, chr21:37,505,421, plus strand): 5'-GGGGAGTCAGGTCATACGGTCGCTGACTACTTGAAGTTCAAAGACCTCATTTTAAGGATG[C>G]TTGATTATGACCCCAAAACTCGAATTCAACCTTATTATGCTCTGCAGCACAGTTTCTTCA-3'
Protein context (NP_001334650.1, residues 441-461): LKFKDLILRM[Leu451Val]DYDPKTRIQP